The following is an entry in ClinVar:

ClinVar aggregate classification (germline): Uncertain significance (1 of 4 stars; one submission).

Conditions:
Hereditary cancer-predisposing syndrome. Also called: Neoplastic Syndromes, Hereditary; Tumor predisposition; Hereditary Cancer Syndrome; Hereditary neoplastic syndrome. Identifiers: Orphanet 140162, MedGen C0027672, MeSH D009386, MONDO:0015356.

Submission:

Ambry Genetics
Classification: Uncertain significance for Hereditary cancer-predisposing syndrome. Last evaluated: 2026-05-04. Review status: criteria provided, single submitter. Criteria: Ambry Variant Classification Scheme 2023. Collection method: clinical testing. Allele origin: germline.
Comment: The p.V469G variant (also known as c.1406T>G), located in coding exon 10 of the PTCH1 gene, results from a T to G substitution at nucleotide position 1406. The valine at codon 469 is replaced by glycine, an amino acid with dissimilar properties. This amino acid position is highly conserved in available vertebrate species. In addition, this alteration is predicted to be deleterious by in silico analysis. Based on the available evidence, the clinical significance of this variant remains unclear.

NM_000264.5(PTCH1):c.1406T>G (p.Val469Gly)

Gene: PTCH1 (patched 1; minus strand). Cytogenetic location: 9q22.32.
Variant type: single nucleotide variant.
Coding change: c.1406T>G on transcript NM_000264.5 (MANE Select); coding-DNA position 1406, T replaced by G.
Protein change: p.Val469Gly; replaces valine 469 with glycine.
Molecular consequence: missense variant. On other transcripts: non-coding transcript variant (1), intron variant (1).
Genome position (GRCh38, 1-based): chr9:95,477,644, A>C on the plus strand (T>G on the coding strand, the complement: PTCH1 is on the minus strand). VCF-style: chr9-95477644-A-C. GRCh37 (hg19) VCF-style: chr9-98239926-A-C.
Other names: c.1208T>G, p.Val403Gly (NM_001083602.3); c.1403T>G, p.Val468Gly (NM_001083603.3); c.953T>G, p.Val318Gly (NM_001083604.3, NM_001083605.3, NM_001083606.3 and 1 more transcripts); c.1347+411T>G (NM_001354918.2); short protein forms V318G, V403G, V468G, V469G.
Identifiers: ClinVar variation 3230938 (VCV003230938.2), dbSNP rs1841161946, ClinGen allele CA374118559.